The following is an entry in ClinVar:

ClinVar aggregate classification (germline): Uncertain significance (1 of 4 stars; one submission).

Allele frequency attached by ClinVar (database versions not stated): TOPMed below 0.00001; gnomAD 0.00001.
gnomAD v4.1: 6 of 1,613,574 alleles (0.00037%); highest among the groups gnomAD compares: East Asian, 0.0022%; no homozygotes.

Submission:

Labcorp Genetics (formerly Invitae), Labcorp
Classification: Uncertain significance. Last evaluated: 2023-09-10. Review status: criteria provided, single submitter. Criteria: Invitae Variant Classification Sherloc (09022015). Collection method: clinical testing. Allele origin: germline.
Comment: Algorithms developed to predict the effect of missense changes on protein structure and function output the following: SIFT: "Not Available"; PolyPhen-2: "Benign"; Align-GVGD: "Not Available". The cysteine amino acid residue is found in multiple mammalian species, which suggests that this missense change does not adversely affect protein function. In summary, the available evidence is currently insufficient to determine the role of this variant in disease. Therefore, it has been classified as a Variant of Uncertain Significance. This variant has not been reported in the literature in individuals affected with CACNA1D-related conditions. This sequence change replaces tyrosine, which is neutral and polar, with cysteine, which is neutral and slightly polar, at codon 1885 of the CACNA1D protein (p.Tyr1885Cys). This variant is present in population databases (rs200271826, gnomAD 0.002%).

NM_001128840.3(CACNA1D):c.5594A>G (p.Tyr1865Cys)

Gene: CACNA1D (calcium voltage-gated channel subunit alpha1 D; plus strand). Cytogenetic location: 3p21.1.
Variant type: single nucleotide variant.
Coding change: c.5594A>G on transcript NM_001128840.3 (MANE Select); coding-DNA position 5594, A replaced by G.
Protein change: p.Tyr1865Cys; replaces tyrosine 1865 with cysteine.
Molecular consequence: missense variant.
Genome position (GRCh38, 1-based): chr3:53,804,991, A>G. VCF-style: chr3-53804991-A-G. GRCh37 (hg19) VCF-style: chr3-53839018-A-G.
Other names: c.5654A>G, p.Tyr1885Cys (NM_000720.4); c.5522A>G, p.Tyr1841Cys (NM_001128839.3); short protein forms Y1865C, Y1885C, Y1841C.
Identifiers: ClinVar variation 3011990 (VCV003011990.3), dbSNP rs200271826, ClinGen allele CA74862284.
Genomic context (GRCh38, chr3:53,804,991, plus strand): 5'-AGTGACAGAGCTTGTTACCTAGAACCTTACTGCCCTCCTCTCTGACCTCCAGGCAAAACT[A>G]TGGCTACTACAGCAGATACCCAGGCAGAAACATCGACTCTGAGAGGCCCCGAGGCTACCA-3'
Protein context (NP_001122312.1, residues 1855-1875): DSSPTWSRQN[Tyr1865Cys]GYYSRYPGRN